The following is an entry in ClinVar:

ClinVar aggregate classification (germline): Uncertain significance. Review status: criteria provided, multiple submitters, no conflicts (2 of 4 stars). 2 submissions from 2 submitters: Uncertain significance (2). Last evaluated 2026-01-02.

Conditions:
Familial thoracic aortic aneurysm and aortic dissection (TAAD). Also called: Thoracic aortic aneurysms and dissections. Identifiers: Orphanet 91387, MedGen C4707243, MONDO:0019625.
Ehlers-Danlos syndrome, classic type, 1 (EDSCL1). Also called: EHLERS-DANLOS SYNDROME, GRAVIS TYPE; EHLERS-DANLOS SYNDROME, SEVERE CLASSIC TYPE; Ehlers-Danlos syndrome, type 1; Ehlers-Danlos Syndrome, Classic Type, COL5A1-Related; EDS I. Identifiers: MedGen C0268335, MONDO:0019567, OMIM 130000.

gnomAD v4.1: 3 of 1,614,188 alleles (0.00019%); no homozygotes.

Submissions (2):

Ambry Genetics
Classification: Uncertain significance for Familial thoracic aortic aneurysm and aortic dissection. Last evaluated: 2026-01-02. Review status: criteria provided, single submitter. Criteria: Ambry Variant Classification Scheme 2023. Collection method: clinical testing. Allele origin: germline.
Comment: The p.N1600D variant (also known as c.4798A>G), located in coding exon 62 of the COL5A1 gene, results from an A to G substitution at nucleotide position 4798. The asparagine at codon 1600 is replaced by aspartic acid, an amino acid with highly similar properties. This amino acid position is conserved. In addition, this alteration is predicted to be tolerated by in silico analysis. Based on the available evidence, the clinical significance of this variant remains unclear.

Labcorp Genetics (formerly Invitae), Labcorp
Classification: Uncertain significance for Ehlers-Danlos syndrome, classic type, 1. Last evaluated: 2025-01-08. Review status: criteria provided, single submitter. Criteria: Invitae Variant Classification Sherloc (09022015). Collection method: clinical testing. Allele origin: germline.
Comment: This sequence change replaces asparagine, which is neutral and polar, with aspartic acid, which is acidic and polar, at codon 1600 of the COL5A1 protein (p.Asn1600Asp). This variant is not present in population databases (gnomAD no frequency). This variant has not been reported in the literature in individuals affected with COL5A1-related conditions. Invitae Evidence Modeling of protein sequence and biophysical properties (such as structural, functional, and spatial information, amino acid conservation, physicochemical variation, residue mobility, and thermodynamic stability) indicates that this missense variant is not expected to disrupt COL5A1 protein function with a negative predictive value of 95%. In summary, the available evidence is currently insufficient to determine the role of this variant in disease. Therefore, it has been classified as a Variant of Uncertain Significance.

NM_000093.5(COL5A1):c.4798A>G (p.Asn1600Asp)

Genes: COL5A1 (collagen type V alpha 1 chain; plus strand), LOC101448202 (uncharacterized LOC101448202; minus strand). Cytogenetic location: 9q34.3.
Variant type: single nucleotide variant.
Coding change: c.4798A>G on transcript NM_000093.5 (MANE Select); coding-DNA position 4798, A replaced by G.
Protein change: p.Asn1600Asp; replaces asparagine 1600 with aspartic acid.
Molecular consequence: missense variant.
Genome position (GRCh38, 1-based): chr9:134,824,699, A>G. VCF-style: chr9-134824699-A-G. GRCh37 (hg19) VCF-style: chr9-137716545-A-G.
Other names: c.4798A>G, p.Asn1600Asp (NM_001278074.1); c.4798A>G (NM_000093.3); short protein forms N1600D.
Identifiers: ClinVar variation 3627785 (VCV003627785.3).